The following is an entry in ClinVar:

ClinVar aggregate classification (germline): Likely benign (1 of 4 stars; one submission).

gnomAD v4.1: 6 of 1,613,284 alleles (0.00037%); highest among the groups gnomAD compares: Non-Finnish European, 0.00051%; no homozygotes.

Submission:

CeGaT Center for Human Genetics Tuebingen
Classification: Likely benign. Last evaluated: 2024-07-01. Review status: criteria provided, single submitter. Criteria: CeGaT Center For Human Genetics Tuebingen Variant Classification Criteria Version 2. Collection method: clinical testing. Allele origin: germline. Affected: yes. Observed: 1 variant allele.
Comment: AHNAK2: PM2:Supporting, BP4, BP7

NM_138420.4(AHNAK2):c.12328C>T (p.Leu4110=)

Gene: AHNAK2 (AHNAK nucleoprotein 2; minus strand). Cytogenetic location: 14q32.33.
Variant type: single nucleotide variant.
Coding change: c.12328C>T on transcript NM_138420.4 (MANE Select); coding-DNA position 12328, C replaced by T.
Protein change: p.Leu4110=; no amino-acid change (leucine 4110 retained).
Molecular consequence: synonymous variant.
Genome position (GRCh38, 1-based): chr14:104,943,123, G>A on the plus strand (C>T on the coding strand, the complement: AHNAK2 is on the minus strand). VCF-style: chr14-104943123-G-A. GRCh37 (hg19) VCF-style: chr14-105409460-G-A.
Other names: c.12028C>T, p.Leu4010= (NM_001350929.2).
Identifiers: ClinVar variation 3257055 (VCV003257055.17).